The following is an entry in ClinVar:

ClinVar aggregate classification (germline): Uncertain significance. Review status: criteria provided, multiple submitters, no conflicts (2 of 4 stars). 2 submissions from 2 submitters: Uncertain significance (2). Last evaluated 2025-11-25.

Conditions:
Gorlin syndrome. Also called: Nevoid Basal Cell Carcinoma Syndrome; Basal cell nevus syndrome. Identifiers: Orphanet 377, MedGen C0004779, MONDO:0007187.
Hereditary cancer-predisposing syndrome. Also called: Hereditary neoplastic syndrome; Neoplastic Syndromes, Hereditary; Tumor predisposition; Hereditary Cancer Syndrome. Identifiers: Orphanet 140162, MedGen C0027672, MeSH D009386, MONDO:0015356.

Allele frequency attached by ClinVar (database versions not stated): gnomAD exomes below 0.00001.
gnomAD v4.1: 5 of 1,614,184 alleles (0.00031%); highest among the groups gnomAD compares: Non-Finnish European, 0.00034%; no homozygotes.

Submissions (2):

Labcorp Genetics (formerly Invitae), Labcorp
Classification: Uncertain significance for Gorlin syndrome. Last evaluated: 2025-11-25. Review status: criteria provided, single submitter. Criteria: Invitae Variant Classification Sherloc (09022015). Collection method: clinical testing. Allele origin: germline.
Comment: This sequence change replaces glutamine, which is neutral and polar, with arginine, which is basic and polar, at codon 417 of the PTCH1 protein (p.Gln417Arg). This variant is not present in population databases (gnomAD no frequency). This variant has not been reported in the literature in individuals affected with PTCH1-related conditions. ClinVar contains an entry for this variant (Variation ID: 409146). Invitae Evidence Modeling of protein sequence and biophysical properties (such as structural, functional, and spatial information, amino acid conservation, physicochemical variation, residue mobility, and thermodynamic stability) has been performed for this missense variant. However, the output from this modeling did not meet the statistical confidence thresholds required to predict the impact of this variant on PTCH1 protein function. In summary, the available evidence is currently insufficient to determine the role of this variant in disease. Therefore, it has been classified as a Variant of Uncertain Significance.

Ambry Genetics
Classification: Uncertain significance for Hereditary cancer-predisposing syndrome. Last evaluated: 2024-09-13. Review status: criteria provided, single submitter. Criteria: Ambry Variant Classification Scheme 2023. Collection method: clinical testing. Allele origin: germline.
Comment: The p.Q417R variant (also known as c.1250A>G), located in coding exon 9 of the PTCH1 gene, results from an A to G substitution at nucleotide position 1250. The glutamine at codon 417 is replaced by arginine, an amino acid with highly similar properties. This amino acid position is highly conserved in available vertebrate species. In addition, the in silico prediction for this alteration is inconclusive. Based on the available evidence, the clinical significance of this variant remains unclear.

NM_000264.5(PTCH1):c.1250A>G (p.Gln417Arg)

Gene: PTCH1 (patched 1; minus strand). Cytogenetic location: 9q22.32.
Variant type: single nucleotide variant.
Coding change: c.1250A>G on transcript NM_000264.5 (MANE Select); coding-DNA position 1250, A replaced by G.
Protein change: p.Gln417Arg; replaces glutamine 417 with arginine.
Molecular consequence: missense variant. On other transcripts: non-coding transcript variant (1).
Genome position (GRCh38, 1-based): chr9:95,478,152, T>C on the plus strand (A>G on the coding strand, the complement: PTCH1 is on the minus strand). VCF-style: chr9-95478152-T-C. GRCh37 (hg19) VCF-style: chr9-98240434-T-C.
Other names: c.1052A>G, p.Gln351Arg (NM_001083602.3); c.1247A>G, p.Gln416Arg (NM_001083603.3); c.797A>G, p.Gln266Arg (NM_001083604.3, NM_001083605.3, NM_001083606.3 and 1 more transcripts); c.1250A>G, p.Gln417Arg (NM_001354918.2); short protein forms Q351R, Q417R, Q416R, Q266R.
Identifiers: ClinVar variation 409146 (VCV000409146.11), dbSNP rs1060502270, ClinGen allele CA16612771.